The following is an entry in ClinVar:

ClinVar aggregate classification (germline): Uncertain significance (1 of 4 stars; one submission).

Conditions:
Long QT syndrome (LQTS). Identifiers: MedGen C0023976, MeSH D008133, MONDO:0002442. Disease mechanism: loss of function. Inheritance: Various modes of inheritance.

Submission:

Labcorp Genetics (formerly Invitae), Labcorp
Classification: Uncertain significance for Long QT syndrome. Last evaluated: 2024-03-20. Review status: criteria provided, single submitter. Criteria: Invitae Variant Classification Sherloc (09022015). Collection method: clinical testing. Allele origin: germline.
Comment: This sequence change replaces serine, which is neutral and polar, with phenylalanine, which is neutral and non-polar, at codon 606 of the KCNH2 protein (p.Ser606Phe). This variant is not present in population databases (gnomAD no frequency). This missense change has been observed in individuals with long QT syndrome (PMID: 22104571; Invitae). An algorithm developed to predict the effect of missense changes on protein structure and function (PolyPhen-2) suggests that this variant is likely to be disruptive. This variant disrupts the p.Ser606 amino acid residue in KCNH2. Other variant(s) that disrupt this residue have been observed in individuals with KCNH2-related conditions (PMID: 18441445), which suggests that this may be a clinically significant amino acid residue. In summary, the available evidence is currently insufficient to determine the role of this variant in disease. Therefore, it has been classified as a Variant of Uncertain Significance.

Literature cited by the submitters: PubMed 22104571; PubMed 18441445.

NM_000238.4(KCNH2):c.1817C>T (p.Ser606Phe)

Gene: KCNH2 (potassium voltage-gated channel subfamily H member 2; minus strand). Cytogenetic location: 7q36.1.
Variant type: single nucleotide variant.
Coding change: c.1817C>T on transcript NM_000238.4 (MANE Select); coding-DNA position 1817, C replaced by T.
Protein change: p.Ser606Phe; replaces serine 606 with phenylalanine.
Molecular consequence: missense variant. On other transcripts: non-coding transcript variant (2).
Genome position (GRCh38, 1-based): chr7:150,951,576, G>A on the plus strand (C>T on the coding strand, the complement: KCNH2 is on the minus strand). VCF-style: chr7-150951576-G-A. GRCh37 (hg19) VCF-style: chr7-150648664-G-A.
Other names: c.797C>T, p.Ser266Phe (NM_001204798.2, NM_172057.3); c.1529C>T, p.Ser510Phe (NM_001406753.1, NM_001406756.1); c.1640C>T, p.Ser547Phe (NM_001406755.1); c.1517C>T, p.Ser506Phe (NM_001406757.1); c.1817C>T, p.Ser606Phe (NM_172056.3); short protein forms S506F, S510F, S606F, S266F, S547F.
Identifiers: ClinVar variation 3720790 (VCV003720790.2).